The following is an entry in ClinVar:

NM_033419.5(PGAP3):c.851A>G (p.His284Arg)

Gene: PGAP3 (post-GPI attachment to proteins phospholipase 3; minus strand). Cytogenetic location: 17q12.
Variant type: single nucleotide variant.
Coding change: c.851A>G on transcript NM_033419.5 (MANE Select); coding-DNA position 851, A replaced by G.
Protein change: p.His284Arg; replaces histidine 284 with arginine.
Molecular consequence: missense variant. On other transcripts: intron variant (3).
Genome position (GRCh38, 1-based): chr17:39,673,099, T>C on the plus strand (A>G on the coding strand, the complement: PGAP3 is on the minus strand). VCF-style: chr17-39673099-T-C. GRCh37 (hg19) VCF-style: chr17-37829352-T-C.
Other names: c.698A>G, p.His233Arg (NM_001291726.2); c.788A>G, p.His263Arg (NM_001291728.2); c.433-233A>G (NM_001291733.2); c.495-233A>G (NM_001291732.2); c.558-233A>G (NM_001291730.2); short protein forms H284R, H233R, H263R.
Identifiers: ClinVar variation 599004 (VCV000599004.19), dbSNP rs776720232, ClinGen allele CA399319790.
Genomic context (GRCh38, chr17:39,673,099, plus strand): 5'-GGCAGCACCCACCTGAAAAAGAGGACGTGGACAGGGATGGTGCTGATGTGCCAGATGGCA[T>C]GGGCATCCAGGACCCAGAAGAGCGGTGGGAAGTCAAGCAGCTCGAGCAGGGACAGCCCCT-3'
Protein context (NP_219487.3, residues 274-294): FPPLFWVLDA[His284Arg]AIWHISTIPV

ClinVar aggregate classification (germline): Pathogenic/Likely pathogenic. Review status: criteria provided, multiple submitters, no conflicts (2 of 4 stars). 7 submissions from 7 submitters: Pathogenic (5); Likely pathogenic (1). 1 of the submissions does not count toward it. Last evaluated 2024-12-03.

Conditions:
Hyperphosphatasia with impaired intellectual development syndrome 4. Also called: Hyperphosphatasia with intellectual disability syndrome 4; GLYCOSYLPHOSPHATIDYLINOSITOL BIOSYNTHESIS DEFECT 10. Identifiers: Orphanet 247262, MedGen C3810354, MONDO:0014318, OMIM 615716.

Allele frequency attached by ClinVar (database versions not stated): TOPMed 0.00001.
gnomAD v4.1: 2 of 1,609,558 alleles (0.00012%); highest among the groups gnomAD compares: Non-Finnish European, 0.00017%; no homozygotes.

Submissions (7):

GeneDx
Classification: Pathogenic. Last evaluated: 2024-12-03. Review status: criteria provided, single submitter. Criteria: GeneDx Variant Classification Process June 2021. Collection method: clinical testing. Allele origin: germline. Affected: yes.
Comment: Not observed at significant frequency in large population cohorts (gnomAD); In silico analysis supports that this missense variant has a deleterious effect on protein structure/function; This variant is associated with the following publications: (PMID: 28794914, 26077850, 30345601, 30919572, 30755392, 34374989)

Labcorp Genetics (formerly Invitae), Labcorp
Classification: Pathogenic. Last evaluated: 2024-12-02. Review status: criteria provided, single submitter. Criteria: Invitae Variant Classification Sherloc (09022015). Collection method: clinical testing. Allele origin: germline.
Comment: This sequence change replaces histidine, which is basic and polar, with arginine, which is basic and polar, at codon 284 of the PGAP3 protein (p.His284Arg). This variant is not present in population databases (gnomAD no frequency). This missense change has been observed in individuals with hyperphosphatasia with mental retardation syndrome (PMID: 26077850, 28794914, 30345601). It has also been observed to segregate with disease in related individuals. ClinVar contains an entry for this variant (Variation ID: 599004). Invitae Evidence Modeling of protein sequence and biophysical properties (such as structural, functional, and spatial information, amino acid conservation, physicochemical variation, residue mobility, and thermodynamic stability) indicates that this missense variant is expected to disrupt PGAP3 protein function with a positive predictive value of 95%. For these reasons, this variant has been classified as Pathogenic.

Dubai Health Genomic Medicine Center, Dubai Health
Classification: Pathogenic for Hyperphosphatasia with impaired intellectual development syndrome 4. Last evaluated: 2024-10-04. Review status: criteria provided, single submitter. Criteria: ACMG Guidelines, 2015. Collection method: research. Allele origin: germline. Affected: yes.
Comment: PP1,PM2,PM3(strong),PM5,PM1

Genomic Medicine Center of Excellence, King Faisal Specialist Hospital and Research Centre
Classification: Pathogenic for Hyperphosphatasia with impaired intellectual development syndrome 4. Last evaluated: 2024-03-29. Review status: criteria provided, single submitter. Criteria: ACMG Guidelines, 2015. Collection method: clinical testing. Allele origin: germline.

Center for Personalized Medicine, Children's Hospital Los Angeles
Classification: Pathogenic. Last evaluated: 2018-11-19. Review status: criteria provided, single submitter. Criteria: ACMG Guidelines, 2015. Collection method: clinical testing. Allele origin: germline. Affected: yes.

Kasturba Medical College, Manipal, Kasturba Medical College, Manipal, Manipal Academy of Higher Education, Manipal, India
Classification: Likely pathogenic for Hyperphosphatasia with impaired intellectual development syndrome 4. Review status: criteria provided, single submitter. Criteria: ACMG Guidelines, 2015. Collection method: research. Allele origin: inherited. Affected: yes.

OMIM
Classification: Pathogenic for HYPERPHOSPHATASIA WITH IMPAIRED INTELLECTUAL DEVELOPMENT SYNDROME 4. Last evaluated: 2022-11-07. Review status: no assertion criteria provided. Collection method: literature only. Allele origin: germline. Not counted in ClinVar's aggregate classification.

Literature cited by the submitters: PubMed 26077850 (cited by Labcorp Genetics (formerly Invitae), Labcorp); PubMed 28794914 (cited by Labcorp Genetics (formerly Invitae), Labcorp); PubMed 30345601 (cited by Labcorp Genetics (formerly Invitae), Labcorp and OMIM).